The following is an entry in ClinVar:

NM_000352.6(ABCC8):c.3388A>C (p.Thr1130Pro)

Gene: ABCC8 (ATP binding cassette subfamily C member 8; minus strand). Cytogenetic location: 11p15.1.
Variant type: single nucleotide variant.
Coding change: c.3388A>C on transcript NM_000352.6 (MANE Select); coding-DNA position 3388, A replaced by C.
Protein change: p.Thr1130Pro; replaces threonine 1130 with proline.
Molecular consequence: missense variant. On other transcripts: non-coding transcript variant (1).
Genome position (GRCh38, 1-based): chr11:17,405,505, T>G on the plus strand (A>C on the coding strand, the complement: ABCC8 is on the minus strand). VCF-style: chr11-17405505-T-G. GRCh37 (hg19) VCF-style: chr11-17427052-T-G.
Other names: c.3391A>C, p.Thr1131Pro (NM_001287174.3); c.3454A>C, p.Thr1152Pro (NM_001351295.2); c.3388A>C, p.Thr1130Pro (NM_001351296.2); c.3385A>C, p.Thr1129Pro (NM_001351297.2); short protein forms T1129P, T1130P, T1131P, T1152P.
Identifiers: ClinVar variation 3336369 (VCV003336369.1).

ClinVar aggregate classification (germline): Uncertain significance (1 of 4 stars; one submission).

Submission:

Women's Health and Genetics/Laboratory Corporation of America, LabCorp
Classification: Uncertain significance. Last evaluated: 2024-05-31. Review status: criteria provided, single submitter. Criteria: LabCorp Variant Classification Summary - May 2015. Collection method: clinical testing. Allele origin: germline.
Comment: Variant summary: ABCC8 c.3388A>C (p.Thr1130Pro) results in a non-conservative amino acid change located in the ABC transporter type 1, transmembrane domain (ABC transporter type 1, transmembrane domain) of the encoded protein sequence. Five of five in-silico tools predict a damaging effect of the variant on protein function. The variant was absent in 251492 control chromosomes. c.3388A>C has been reported in the literature in individuals affected with Autosomal recessive Familial Hyperinsulinism (Giurgea_2004, Fernandez-Marmiesse_2006, Bellanne-Chantelot_2010, Clemente_2023). These data indicate that the variant may be associated with disease. To our knowledge, no experimental evidence demonstrating an impact on protein function has been reported. The following publications have been ascertained in the context of this evaluation (PMID: 20685672, 37216904, 16429405, 14764815). No submitters have cited clinical-significance assessments for this variant to ClinVar. Based on the evidence outlined above, the variant was classified as VUS-possibly pathogenic.

Literature cited by the submitters: PubMed 16429405; PubMed 14764815; PubMed 20685672; PubMed 37216904.